The following is an entry in ClinVar:

NM_000020.3(ACVRL1):c.1211T>A (p.Val404Glu)

Gene: ACVRL1 (activin A receptor like type 1; plus strand). Cytogenetic location: 12q13.13.
Variant type: single nucleotide variant.
Coding change: c.1211T>A on transcript NM_000020.3 (MANE Select); coding-DNA position 1211, T replaced by A.
Protein change: p.Val404Glu; replaces valine 404 with glutamic acid.
Molecular consequence: missense variant. On other transcripts: intron variant (1).
Genome position (GRCh38, 1-based): chr12:51,916,198, T>A. VCF-style: chr12-51916198-T-A. GRCh37 (hg19) VCF-style: chr12-52309982-T-A.
Other names: c.1211T>A, p.Val404Glu (NM_001077401.2, NM_001406487.1, NM_001406488.1 and 1 more transcripts); c.899T>A, p.Val300Glu (NM_001406490.1, NM_001406491.1, NM_001406492.1 and 1 more transcripts); c.647T>A, p.Val216Glu (NM_001406495.1); c.736+698T>A (NM_001406494.1); short protein forms V404E, V300E, V216E.
Identifiers: ClinVar variation 2921190 (VCV002921190.1), dbSNP rs2540166768, ClinGen allele CA384902957.
Genomic context (GRCh38, chr12:51,916,198, plus strand): 5'-AGATCCGCACGGACTGCTTTGAGTCCTACAAGTGGACTGACATCTGGGCCTTTGGCCTGG[T>A]GCTGTGGGAGATTGCCCGCCGGACCATCGTGAATGGTGAGGGCCCACCCTACACAGGGTA-3'
Protein context (NP_000011.2, residues 394-414): KWTDIWAFGL[Val404Glu]LWEIARRTIV

ClinVar aggregate classification (germline): Uncertain significance (1 of 4 stars; one submission).

Conditions:
Telangiectasia, hereditary hemorrhagic, type 2 (HHT2). Also called: ACVRL1-Related Hereditary Hemorrhagic Telangiectasia; Telangiectasia, hereditary hemorrhagic, type II. Identifiers: Orphanet 774, MedGen C1838163, MONDO:0010880, OMIM 600376. Disease mechanism: loss of function.

Submission:

ARUP Laboratories, Molecular Genetics and Genomics, ARUP Laboratories
Classification: Uncertain significance for Telangiectasia, hereditary hemorrhagic, type 2. Last evaluated: 2023-06-28. Review status: criteria provided, single submitter. Criteria: ARUP Molecular Germline Variant Investigation Process 2024. Collection method: clinical testing. Allele origin: germline.
Comment: The ACVRL1 c.1211T>A; p.Val404Glu variant, to our knowledge, to our knowledge, is not reported in the medical literature or gene specific databases. This variant is also absent from the Genome Aggregation Database, indicating it is not a common polymorphism. Computational analyses predict that this variant is deleterious (REVEL: 0.834). Due to limited information, the clinical significance of this variant is uncertain at this time.